The following is an entry in ClinVar:

NM_001148.6(ANK2):c.4993A>C (p.Lys1665Gln)

Gene: ANK2 (ankyrin 2; plus strand). Cytogenetic location: 4q26.
Variant type: single nucleotide variant.
Coding change: c.4993A>C on transcript NM_001148.6 (MANE Select); coding-DNA position 4993, A replaced by C.
Protein change: p.Lys1665Gln; replaces lysine 1665 with glutamine.
Molecular consequence: missense variant. On other transcripts: intron variant (68).
Genome position (GRCh38, 1-based): chr4:113,353,611, A>C. VCF-style: chr4-113353611-A-C. GRCh37 (hg19) VCF-style: chr4-114274767-A-C.
Other names: c.4759A>C, p.Lys1587Gln (NM_001386142.1); c.1393A>C, p.Lys465Gln (NM_001386166.1); c.5134A>C, p.Lys1712Gln (NM_001386174.1); c.5110A>C, p.Lys1704Gln (NM_001386175.1); c.4411+3362A>C (NM_001386186.2, NM_001386148.2); c.4213+3362A>C (NM_001354269.3); c.4291+3362A>C (NM_001386187.2); c.4252+3362A>C (NM_001386147.1); and 35 more; short protein forms K1587Q, K1704Q, K1712Q, K465Q, K1665Q.
Identifiers: ClinVar variation 4723860 (VCV004723860.1).

ClinVar aggregate classification (germline): Uncertain significance (1 of 4 stars; one submission).

Conditions:
Long QT syndrome (LQTS). Identifiers: MedGen C0023976, MeSH D008133, MONDO:0002442. Disease mechanism: loss of function. Inheritance: Various modes of inheritance.

Submission:

Labcorp Genetics (formerly Invitae), Labcorp
Classification: Uncertain significance for Long QT syndrome. Last evaluated: 2025-07-27. Review status: criteria provided, single submitter. Criteria: Invitae Variant Classification Sherloc (09022015). Collection method: clinical testing. Allele origin: germline.
Comment: This sequence change replaces lysine, which is basic and polar, with glutamine, which is neutral and polar, at codon 1665 of the ANK2 protein (p.Lys1665Gln). This variant is not present in population databases (gnomAD no frequency). This variant has not been reported in the literature in individuals affected with ANK2-related conditions. An algorithm developed to predict the effect of missense changes on protein structure and function outputs the following: PolyPhen-2: "Benign". The glutamine amino acid residue is found in multiple mammalian species, which suggests that this missense change does not adversely affect protein function. In summary, the available evidence is currently insufficient to determine the role of this variant in disease. Therefore, it has been classified as a Variant of Uncertain Significance.